The following is an entry in ClinVar:

NM_014946.4(SPAST):c.911C>G (p.Pro304Arg)

Gene: SPAST (spastin; plus strand). Cytogenetic location: 2p22.3.
Variant type: single nucleotide variant.
Coding change: c.911C>G on transcript NM_014946.4 (MANE Select); coding-DNA position 911, C replaced by G.
Protein change: p.Pro304Arg; replaces proline 304 with arginine.
Molecular consequence: missense variant.
Genome position (GRCh38, 1-based): chr2:32,115,742, C>G. VCF-style: chr2-32115742-C-G. GRCh37 (hg19) VCF-style: chr2-32340811-C-G.
Other names: c.908C>G, p.Pro303Arg (NM_001363823.2); c.812C>G, p.Pro271Arg (NM_001363875.2); c.815C>G, p.Pro272Arg (NM_001377959.1, NM_199436.2); short protein forms P304R, P272R, P271R, P303R.
Identifiers: ClinVar variation 1982276 (VCV001982276.4), dbSNP rs1320763237, ClinGen allele CA346499163.
Genomic context (GRCh38, chr2:32,115,742, plus strand): 5'-AAAATTTTGTATCCTTTAAGGGTACTCCGAAAACAAATAGGACAAATAAACCTTCTACCC[C>G]TACAACTGCTACTCGTAAGAAAAAAGACTTGAAGAATTTTAGGAATGTGGACAGCAACCT-3'
Protein context (NP_055761.2, residues 294-314): KTNRTNKPST[Pro304Arg]TTATRKKKDL

ClinVar aggregate classification (germline): Uncertain significance (1 of 4 stars; one submission).

Conditions:
Hereditary spastic paraplegia 4. Also called: Spastic paraplegia 4, autosomal dominant; Spastic Paraplegia 4; Familial spastic paraplegia autosomal dominant 2. Identifiers: Orphanet 100985, MedGen C1866855, MONDO:0008438, OMIM 182601.

Allele frequency attached by ClinVar (database versions not stated): gnomAD exomes below 0.00001.
gnomAD v4.1: 2 of 1,611,204 alleles (0.00012%); highest among the groups gnomAD compares: Non-Finnish European, 0.00017%; no homozygotes.

Submission:

Labcorp Genetics (formerly Invitae), Labcorp
Classification: Uncertain significance for Hereditary spastic paraplegia 4. Last evaluated: 2022-08-16. Review status: criteria provided, single submitter. Criteria: Invitae Variant Classification Sherloc (09022015). Collection method: clinical testing. Allele origin: germline.
Comment: In summary, the available evidence is currently insufficient to determine the role of this variant in disease. Therefore, it has been classified as a Variant of Uncertain Significance. Algorithms developed to predict the effect of missense changes on protein structure and function are either unavailable or do not agree on the potential impact of this missense change (SIFT: "Tolerated"; PolyPhen-2: "Possibly Damaging"; Align-GVGD: "Class C0"). This variant has not been reported in the literature in individuals affected with SPAST-related conditions. This variant is present in population databases (no rsID available, gnomAD 0.003%). This sequence change replaces proline, which is neutral and non-polar, with arginine, which is basic and polar, at codon 304 of the SPAST protein (p.Pro304Arg).